The following is an entry in ClinVar:

ClinVar aggregate classification (germline): Likely benign. Review status: criteria provided, multiple submitters, no conflicts (2 of 4 stars). 3 submissions from 3 submitters: Likely benign (3). Last evaluated 2026-02-16.

Conditions:
USH2A-related disorder. Also called: USH2A-related condition; USH2A-related disorders. Identifiers: MedGen CN239332.

Allele frequency attached by ClinVar (database versions not stated): TOPMed 0.00002; gnomAD exomes 0.00003 and 0.00004; ExAC 0.00004; gnomAD 0.00004; 1000 Genomes Project 30x 0.00016; 1000 Genomes Project 0.00020.
gnomAD v4.1: 48 of 1,613,038 alleles (0.003%); highest among the groups gnomAD compares: South Asian, 0.015%; 1 homozygote.

Submissions (3):

PreventionGenetics, part of Exact Sciences
Classification: Likely benign for USH2A-related condition. Last evaluated: 2026-02-16. Review status: criteria provided, single submitter. Criteria: ACMG Guidelines, 2015. Collection method: clinical testing. Allele origin: germline.
Comment: This variant is classified as likely benign based on ACMG/AMP sequence variant interpretation guidelines (Richards et al. 2015 PMID: 25741868, with internal and published modifications).

Labcorp Genetics (formerly Invitae), Labcorp
Classification: Likely benign. Last evaluated: 2025-08-12. Review status: criteria provided, single submitter. Criteria: Invitae Variant Classification Sherloc (09022015). Collection method: clinical testing. Allele origin: germline.

Blueprint Genetics
Classification: Likely benign. Last evaluated: 2020-04-22. Review status: criteria provided, single submitter. Criteria: ACMG Guidelines, 2015. Collection method: clinical testing. Allele origin: germline.

NM_206933.4(USH2A):c.801C>T (p.Val267=)

Gene: USH2A (usherin; minus strand). Cytogenetic location: 1q41.
Variant type: single nucleotide variant.
Coding change: c.801C>T on transcript NM_206933.4 (MANE Select); coding-DNA position 801, C replaced by T.
Protein change: p.Val267=; no amino-acid change (valine 267 retained).
Molecular consequence: synonymous variant.
Genome position (GRCh38, 1-based): chr1:216,327,638, G>A on the plus strand (C>T on the coding strand, the complement: USH2A is on the minus strand). VCF-style: chr1-216327638-G-A. GRCh37 (hg19) VCF-style: chr1-216500980-G-A.
Other names: c.801C>T, p.Val267= (NM_007123.6); c.801C>T (NM_206933.2).
Identifiers: ClinVar variation 1141776 (VCV001141776.11), dbSNP rs547847873, ClinGen allele CA1396688.